The following is an entry in ClinVar:

NM_012309.5(SHANK2):c.4168C>G (p.Arg1390Gly)

Gene: SHANK2 (SH3 and multiple ankyrin repeat domains 2; minus strand). Cytogenetic location: 11q13.3.
Variant type: single nucleotide variant.
Coding change: c.4168C>G on transcript NM_012309.5 (MANE Select); coding-DNA position 4168, C replaced by G.
Protein change: p.Arg1390Gly; replaces arginine 1390 with glycine.
Molecular consequence: missense variant.
Genome position (GRCh38, 1-based): chr11:70,486,125, G>C on the plus strand (C>G on the coding strand, the complement: SHANK2 is on the minus strand). VCF-style: chr11-70486125-G-C. GRCh37 (hg19) VCF-style: chr11-70332230-G-C.
Other names: c.3031C>G, p.Arg1011Gly (NM_001379226.1); c.2404C>G, p.Arg802Gly (NM_133266.5); short protein forms R1011G, R1390G, R802G.
Identifiers: ClinVar variation 1690501 (VCV001690501.2), dbSNP rs371473462, ClinGen allele CA6160965.

ClinVar aggregate classification (germline): Uncertain significance (1 of 4 stars; one submission).

gnomAD v4.1: 6 of 1,613,968 alleles (0.00037%); highest among the groups gnomAD compares: Admixed American, 0.0017%; no homozygotes.

Submission:

Laboratorio de Genetica e Diagnostico Molecular, Hospital Israelita Albert Einstein
Classification: Uncertain significance. Last evaluated: 2021-11-29. Review status: criteria provided, single submitter. Criteria: ACMG Guidelines, 2015. Collection method: clinical testing. Allele origin: germline. Affected: yes.
Comment: ACMG classification criteria: PM2, BP4